The following is an entry in ClinVar:

ClinVar aggregate classification (germline): Uncertain significance (1 of 4 stars; one submission).

gnomAD v4.1: 1 of 1,604,930 alleles (0.000062%); highest among the groups gnomAD compares: Non-Finnish European, 0.000085%; no homozygotes.

Submission:

Labcorp Genetics (formerly Invitae), Labcorp
Classification: Uncertain significance. Last evaluated: 2024-08-08. Review status: criteria provided, single submitter. Criteria: Invitae Variant Classification Sherloc (09022015). Collection method: clinical testing. Allele origin: germline.
Comment: This sequence change replaces histidine, which is basic and polar, with glutamine, which is neutral and polar, at codon 332 of the LZTS1 protein (p.His332Gln). This variant is not present in population databases (gnomAD no frequency). This variant has not been reported in the literature in individuals affected with LZTS1-related conditions. Advanced modeling of protein sequence and biophysical properties (such as structural, functional, and spatial information, amino acid conservation, physicochemical variation, residue mobility, and thermodynamic stability) performed at Invitae indicates that this missense variant is not expected to disrupt LZTS1 protein function with a negative predictive value of 80%. In summary, the available evidence is currently insufficient to determine the role of this variant in disease. Therefore, it has been classified as a Variant of Uncertain Significance.

NM_021020.5(LZTS1):c.996C>G (p.His332Gln)

Gene: LZTS1 (leucine zipper tumor suppressor 1; minus strand). Cytogenetic location: 8p21.3.
Variant type: single nucleotide variant.
Coding change: c.996C>G on transcript NM_021020.5 (MANE Select); coding-DNA position 996, C replaced by G.
Protein change: p.His332Gln; replaces histidine 332 with glutamine.
Molecular consequence: missense variant.
Genome position (GRCh38, 1-based): chr8:20,252,935, G>C on the plus strand (C>G on the coding strand, the complement: LZTS1 is on the minus strand). VCF-style: chr8-20252935-G-C. GRCh37 (hg19) VCF-style: chr8-20110446-G-C.
Other names: c.996C>G, p.His332Gln (NM_001362884.2); short protein forms H332Q.
Identifiers: ClinVar variation 3690148 (VCV003690148.2).